The following is an entry in ClinVar:

ClinVar aggregate classification (germline): Uncertain significance (1 of 4 stars; one submission).

Allele frequency attached by ClinVar (database versions not stated): gnomAD exomes below 0.00001.

Submission:

Labcorp Genetics (formerly Invitae), Labcorp
Classification: Uncertain significance. Last evaluated: 2022-06-14. Review status: criteria provided, single submitter. Criteria: Invitae Variant Classification Sherloc (09022015). Collection method: clinical testing. Allele origin: germline.
Comment: In summary, the available evidence is currently insufficient to determine the role of this variant in disease. Therefore, it has been classified as a Variant of Uncertain Significance. Algorithms developed to predict the effect of missense changes on protein structure and function are either unavailable or do not agree on the potential impact of this missense change (SIFT: "Deleterious"; PolyPhen-2: "Benign"; Align-GVGD: "Class C0"). This variant has not been reported in the literature in individuals affected with WDR87-related conditions. This variant is not present in population databases (gnomAD no frequency). This sequence change replaces lysine, which is basic and polar, with asparagine, which is neutral and polar, at codon 1514 of the WDR87 protein (p.Lys1514Asn).

NM_001291088.2(WDR87):c.4659G>T (p.Lys1553Asn)

Gene: WDR87 (WD repeat domain 87; minus strand). Cytogenetic location: 19q13.13.
Variant type: single nucleotide variant.
Coding change: c.4659G>T on transcript NM_001291088.2 (MANE Select); coding-DNA position 4659, G replaced by T.
Protein change: p.Lys1553Asn; replaces lysine 1553 with asparagine.
Molecular consequence: missense variant.
Genome position (GRCh38, 1-based): chr19:37,889,012, C>A on the plus strand (G>T on the coding strand, the complement: WDR87 is on the minus strand). VCF-style: chr19-37889012-C-A. GRCh37 (hg19) VCF-style: chr19-38379652-C-A.
Other names: c.4542G>T, p.Lys1514Asn (NM_031951.5); short protein forms K1514N, K1553N.
Identifiers: ClinVar variation 2006100 (VCV002006100.4), dbSNP rs2046178441, ClinGen allele CA405608113.